The following is an entry in ClinVar:

NM_017780.4(CHD7):c.4100G>A (p.Arg1367Lys)

Gene: CHD7 (chromodomain helicase DNA binding protein 7; plus strand). Cytogenetic location: 8q12.2.
Variant type: single nucleotide variant.
Coding change: c.4100G>A on transcript NM_017780.4 (MANE Select); coding-DNA position 4100, G replaced by A.
Protein change: p.Arg1367Lys; replaces arginine 1367 with lysine.
Molecular consequence: missense variant. On other transcripts: intron variant (1).
Genome position (GRCh38, 1-based): chr8:60,836,927, G>A. VCF-style: chr8-60836927-G-A. GRCh37 (hg19) VCF-style: chr8-61749486-G-A.
Other names: c.1717-25302G>A (NM_001316690.1); short protein forms R1367K.
Identifiers: ClinVar variation 3690195 (VCV003690195.2).
Genomic context (GRCh38, chr8:60,836,927, plus strand): 5'-CAGCTATCGACAGATTCTCCAAACCTGATTCTGATAGGTTTGTTTTCCTCCTGTGTACAA[G>A]GGCAGGAGGTTTAGGCATTAACCTCACTGCTGCTGATACCTGCATCATCTTTGATTCAGA-3'
Protein context (NP_060250.2, residues 1357-1377): SDRFVFLLCT[Arg1367Lys]AGGLGINLTA

ClinVar aggregate classification (germline): Uncertain significance (1 of 4 stars; one submission).

Conditions:
CHARGE syndrome (CHARGE). Also called: Hittner Hirsch Kreh syndrome; CHARGE ASSOCIATION--COLOBOMA, HEART ANOMALY, CHOANAL ATRESIA, RETARDATION, GENITAL AND EAR ANOMALIES; Coloboma, heart anomaly, choanal atresia, retardation, genital and ear anomalies; CHARGE association; Hall-Hittner syndrome. Identifiers: Orphanet 138, MedGen C0265354, MONDO:0008965.

Submission:

Labcorp Genetics (formerly Invitae), Labcorp
Classification: Uncertain significance for CHARGE syndrome. Last evaluated: 2024-12-23. Review status: criteria provided, single submitter. Criteria: Invitae Variant Classification Sherloc (09022015). Collection method: clinical testing. Allele origin: germline.
Comment: This sequence change replaces arginine, which is basic and polar, with lysine, which is basic and polar, at codon 1367 of the CHD7 protein (p.Arg1367Lys). This variant is not present in population databases (gnomAD no frequency). This variant has not been reported in the literature in individuals affected with CHD7-related conditions. Invitae Evidence Modeling of protein sequence and biophysical properties (such as structural, functional, and spatial information, amino acid conservation, physicochemical variation, residue mobility, and thermodynamic stability) indicates that this missense variant is not expected to disrupt CHD7 protein function with a negative predictive value of 80%. In summary, the available evidence is currently insufficient to determine the role of this variant in disease. Therefore, it has been classified as a Variant of Uncertain Significance.